The following is an entry in ClinVar:

NM_001039591.3(USP9X):c.3022G>T (p.Gly1008Ter)

Gene: USP9X (ubiquitin specific peptidase 9 X-linked; plus strand). Cytogenetic location: Xp11.4.
Variant type: single nucleotide variant.
Coding change: c.3022G>T on transcript NM_001039591.3 (MANE Select); coding-DNA position 3022, G replaced by T.
Protein change: p.Gly1008Ter; replaces glycine 1008 with a stop codon.
Molecular consequence: nonsense.
Genome position (GRCh38, 1-based): chrX:41,170,614, G>T. VCF-style: chrX-41170614-G-T. GRCh37 (hg19) VCF-style: chrX-41029867-G-T.
Other names: c.3022G>T, p.Gly1008Ter (NM_001039590.3); c.3037G>T, p.Gly1013Ter (NM_001410748.1, NM_001410749.1); short protein forms G1008*, G1013*.
Identifiers: ClinVar variation 3377434 (VCV003377434.1).

ClinVar aggregate classification (germline): Pathogenic (1 of 4 stars; one submission).

Conditions:
Intellectual developmental disorder, X-linked 99, syndromic, female-restricted. Also called: Intellectual disability, X-linked 99, syndromic, female-restricted. Identifiers: MedGen C4225416, MONDO:0010502, OMIM 300968.

Submission:

Victorian Clinical Genetics Services, Murdoch Childrens Research Institute
Classification: Pathogenic for Intellectual developmental disorder, X-linked 99, syndromic, female-restricted. Last evaluated: 2020-05-26. Review status: criteria provided, single submitter. Criteria: ACMG Guidelines, 2015. Collection method: clinical testing. Allele origin: germline. Affected: yes.
Comment: Based on the classification scheme VCGS_Germline_v1.1.1, this variant is classified as 5-Pathogenic. Following criteria are met: 0102 - Loss-of-function is a known mechanism of disease for this gene. (N) 0109 - This gene is known to be associated with USP9X-related neurodevelopmental condition (X-linked dominant). (N) 0201 - Variant is predicted to cause nonsense-mediated decay (NMD) and loss of protein. (P) 0251 - Variant is heterozygous. (N) 0301 - Variant is absent from gnomAD. (P) 0701 - Comparable variants have very strong previous evidence for pathogenicity (Decipher). (P) 0807 - Variant has not previously been reported in a clinical context. (N) 0905 - No segregation evidence has been identified for this variant. (N) 1007 - No published functional evidence has been identified for this variant in the literature. (N) 1102 - Strong phenotype match. (P) 1208 - Inheritance information for this variant is not currently available. (N) Legend: (P) - Pathogenic, (N) - Neutral, (B) - Benign